The following is an entry in ClinVar:

NM_014915.3(ANKRD26):c.4997A>C (p.Glu1666Ala)

Gene: ANKRD26 (ankyrin repeat domain 26; minus strand). Cytogenetic location: 10p12.1.
Variant type: single nucleotide variant.
Coding change: c.4997A>C on transcript NM_014915.3 (MANE Select); coding-DNA position 4997, A replaced by C.
Protein change: p.Glu1666Ala; replaces glutamic acid 1666 with alanine.
Molecular consequence: missense variant.
Genome position (GRCh38, 1-based): chr10:27,006,919, T>G on the plus strand (A>C on the coding strand, the complement: ANKRD26 is on the minus strand). VCF-style: chr10-27006919-T-G. GRCh37 (hg19) VCF-style: chr10-27295848-T-G.
Other names: c.4994A>C, p.Glu1665Ala (NM_001256053.2); short protein forms E1665A, E1666A.
Identifiers: ClinVar variation 4580040 (VCV004580040.1).

ClinVar aggregate classification (germline): Uncertain significance (1 of 4 stars; one submission).

Conditions:
Inborn genetic diseases. Identifiers: MedGen C0950123, MeSH D030342.

Submission:

Ambry Genetics
Classification: Uncertain significance for Inborn genetic diseases. Last evaluated: 2025-11-17. Review status: criteria provided, single submitter. Criteria: Ambry Variant Classification Scheme 2023. Collection method: clinical testing. Allele origin: germline.
Comment: The p.E1666A variant (also known as c.4997A>C), located in coding exon 33 of the ANKRD26 gene, results from an A to C substitution at nucleotide position 4997. The glutamic acid at codon 1666 is replaced by alanine, an amino acid with dissimilar properties. This amino acid position is conserved. In addition, this alteration is predicted to be tolerated by in silico analysis. Based on the available evidence, the clinical significance of this variant remains unclear.